The following is an entry in ClinVar:

NM_000059.4(BRCA2):c.7249C>T (p.His2417Tyr)

Gene: BRCA2 (BRCA2 DNA repair associated; plus strand). Cytogenetic location: 13q13.1.
Variant type: single nucleotide variant.
Coding change: c.7249C>T on transcript NM_000059.4 (MANE Select); coding-DNA position 7249, C replaced by T.
Protein change: p.His2417Tyr; replaces histidine 2417 with tyrosine.
Molecular consequence: missense variant.
Genome position (GRCh38, 1-based): chr13:32,355,102, C>T. VCF-style: chr13-32355102-C-T. GRCh37 (hg19) VCF-style: chr13-32929239-C-T.
Other names: short protein forms H2417Y.
Identifiers: ClinVar variation 964937 (VCV000964937.9), dbSNP rs1291364563, ClinGen allele CA387740458.

ClinVar aggregate classification (germline): Uncertain significance. Review status: criteria provided, multiple submitters, no conflicts (2 of 4 stars). 2 submissions from 2 submitters: Uncertain significance (2). Last evaluated 2024-11-09.

Conditions:
Hereditary cancer-predisposing syndrome. Also called: Tumor predisposition; Hereditary neoplastic syndrome; Hereditary Cancer Syndrome; Neoplastic Syndromes, Hereditary. Identifiers: Orphanet 140162, MedGen C0027672, MeSH D009386, MONDO:0015356.
Hereditary breast ovarian cancer syndrome. Also called: BRCA1- and BRCA2-Associated Hereditary Breast and Ovarian Cancer; Hereditary breast and ovarian cancer; Hereditary breast and/or ovarian cancer syndrome; Hereditary breast and ovarian cancer syndrome; Hereditary breast and ovarian cancer syndrome (HBOC); Breast and ovarian cancer. Identifiers: Orphanet 145, MedGen C0677776, MeSH D061325, MONDO:0003582. Disease mechanism: loss of function.

Submissions (2):

Ambry Genetics
Classification: Uncertain significance for Hereditary cancer-predisposing syndrome. Last evaluated: 2024-11-09. Review status: criteria provided, single submitter. Criteria: Ambry Variant Classification Scheme 2023. Collection method: clinical testing. Allele origin: germline.
Comment: The p.H2417Y variant (also known as c.7249C>T), located in coding exon 13 of the BRCA2 gene, results from a C to T substitution at nucleotide position 7249. The histidine at codon 2417 is replaced by tyrosine, an amino acid with similar properties. This amino acid position is not well conserved in available vertebrate species. In addition, the in silico prediction for this alteration is inconclusive. Based on the available evidence, the clinical significance of this variant remains unclear.

Labcorp Genetics (formerly Invitae), Labcorp
Classification: Uncertain significance for Hereditary breast ovarian cancer syndrome. Last evaluated: 2021-09-10. Review status: criteria provided, single submitter. Criteria: Invitae Variant Classification Sherloc (09022015). Collection method: clinical testing. Allele origin: germline.
Comment: This sequence change replaces histidine with tyrosine at codon 2417 of the BRCA2 protein (p.His2417Tyr). The histidine residue is weakly conserved and there is a moderate physicochemical difference between histidine and tyrosine. This variant is not present in population databases (ExAC no frequency). This missense change has been observed in individual(s) with pancreatic cancer (PMID: 25356972). Algorithms developed to predict the effect of missense changes on protein structure and function (SIFT, PolyPhen-2, Align-GVGD) all suggest that this variant is likely to be tolerated. In summary, the available evidence is currently insufficient to determine the role of this variant in disease. Therefore, it has been classified as a Variant of Uncertain Significance.

Literature cited by the submitters: PubMed 25356972 (cited by Labcorp Genetics (formerly Invitae), Labcorp).